The following is an entry in ClinVar:

NM_004006.3(DMD):c.2900T>G (p.Leu967Arg)

Gene: DMD (dystrophin; minus strand). Cytogenetic location: Xp21.1.
Variant type: single nucleotide variant.
Coding change: c.2900T>G on transcript NM_004006.3 (MANE Select); coding-DNA position 2900, T replaced by G.
Protein change: p.Leu967Arg; replaces leucine 967 with arginine.
Molecular consequence: missense variant.
Genome position (GRCh38, 1-based): chrX:32,472,213, A>C on the plus strand (T>G on the coding strand, the complement: DMD is on the minus strand). VCF-style: chrX-32472213-A-C. GRCh37 (hg19) VCF-style: chrX-32490330-A-C.
Other names: c.2876T>G, p.Leu959Arg (NM_000109.4); c.2888T>G, p.Leu963Arg (NM_004009.3); c.2531T>G, p.Leu844Arg (NM_004010.3); short protein forms L967R, L959R, L963R, L844R.
Identifiers: ClinVar variation 565764 (VCV000565764.12), dbSNP rs766400327, ClinGen allele CA10379415.

ClinVar aggregate classification (germline): Conflicting classifications of pathogenicity. Review status: criteria provided, conflicting classifications (1 of 4 stars). 5 submissions from 5 submitters: Uncertain significance (2); Likely benign (2). 1 of the submissions does not count toward it. Last evaluated 2025-08-03.

Conditions:
Dystrophin deficiency.
Cardiomyopathy (CMYO). Also called: Cardiomyopathies. Identifiers: Orphanet 167848, MedGen C0878544, MONDO:0004994, HP:0001638. Inheritance: Various modes of inheritance.
Becker muscular dystrophy (BMD). Also called: Becker Muscular Dystrophy (BMD); MUSCULAR DYSTROPHY, PSEUDOHYPERTROPHIC PROGRESSIVE, BECKER TYPE. Identifiers: Orphanet 98895, MedGen C0917713, MONDO:0010311, OMIM 300376.
Duchenne muscular dystrophy (DMD). Also called: Duchenne Muscular Dystrophy (DMD); MUSCULAR DYSTROPHY, PSEUDOHYPERTROPHIC PROGRESSIVE, DUCHENNE TYPE. Identifiers: Orphanet 98896, MedGen C0013264, MONDO:0010679, OMIM 310200.
Cardiovascular phenotype. Identifiers: MedGen CN230736.
Hereditary skeletal muscle disorder. Identifiers: MedGen CN324038, MONDO:0700223.

Allele frequency attached by ClinVar (database versions not stated): ExAC 0.00001; gnomAD exomes 0.00002 and 0.00005.
gnomAD v4.1: 57 of 1,210,990 alleles (0.0047%); highest among the groups gnomAD compares: Non-Finnish European, 0.0064%; no homozygotes.

Submissions (5):

Labcorp Genetics (formerly Invitae), Labcorp
Classification: Likely benign for Duchenne muscular dystrophy. Last evaluated: 2025-08-03. Review status: criteria provided, single submitter. Criteria: Invitae Variant Classification Sherloc (09022015). Collection method: clinical testing. Allele origin: germline.

Molecular Diagnostic Laboratory for Inherited Cardiovascular Disease, Montreal Heart Institute
Classification: Likely benign. Last evaluated: 2025-04-09. Review status: criteria provided, single submitter. Criteria: ACMG Guidelines, 2015. Collection method: clinical testing. Allele origin: germline. Affected: no.
Comment: BP1, BP4, BP5

Cambridge Genomics Laboratory, East Genomic Laboratory Hub, NHS Genomic Medicine Service
Classification: Uncertain significance for Hereditary skeletal muscle disorder. Last evaluated: 2019-11-28. Review status: criteria provided, single submitter. Criteria: ACGS Best Practice Guidelines for Variant Classification in Rare Disease 2020. Collection method: clinical testing. Allele origin: germline. Affected: yes. Observed: 1 variant allele.

Ambry Genetics
Classification: Uncertain significance for Cardiovascular phenotype. Last evaluated: 2018-04-19. Review status: criteria provided, single submitter. Criteria: Ambry Variant Classification Scheme 2023. Collection method: clinical testing. Allele origin: germline.
Comment: The p.L967R variant (also known as c.2900T>G), located in coding exon 22 of the DMD gene, results from a T to G substitution at nucleotide position 2900. The leucine at codon 967 is replaced by arginine, an amino acid with dissimilar properties. This amino acid position is poorly conserved in available vertebrate species. In addition, this alteration is predicted to be tolerated by in silico analysis. Since supporting evidence is limited at this time, the clinical significance of this alteration remains unclear.

Natera, Inc.
Classification: Uncertain significance for Becker muscular dystrophy; Cardiomyopathy; Duchenne muscular dystrophy; Dystrophin deficiency. Last evaluated: 2019-07-25. Review status: no assertion criteria provided. Collection method: clinical testing. Allele origin: germline. Not counted in ClinVar's aggregate classification.